The following is an entry in ClinVar:

NM_004104.5(FASN):c.3008C>T (p.Pro1003Leu)

Gene: FASN (fatty acid synthase; minus strand). Cytogenetic location: 17q25.3.
Variant type: single nucleotide variant.
Coding change: c.3008C>T on transcript NM_004104.5 (MANE Select); coding-DNA position 3008, C replaced by T.
Protein change: p.Pro1003Leu; replaces proline 1003 with leucine.
Molecular consequence: missense variant.
Genome position (GRCh38, 1-based): chr17:82,087,720, G>A on the plus strand (C>T on the coding strand, the complement: FASN is on the minus strand). VCF-style: chr17-82087720-G-A. GRCh37 (hg19) VCF-style: chr17-80045596-G-A.
Other names: short protein forms P1003L.
Identifiers: ClinVar variation 2874846 (VCV002874846.3), dbSNP rs772533829, ClinGen allele CA8852555.

ClinVar aggregate classification (germline): Uncertain significance (1 of 4 stars; one submission).

Conditions:
Epileptic encephalopathy. Identifiers: MedGen C0543888, HP:0200134.

Allele frequency attached by ClinVar (database versions not stated): TOPMed below 0.00001; ExAC 0.00002.
gnomAD v4.1: 1 of 1,612,272 alleles (0.000062%); highest among the groups gnomAD compares: African/African-American, 0.0013%; no homozygotes.

Submission:

Labcorp Genetics (formerly Invitae), Labcorp
Classification: Uncertain significance for Epileptic encephalopathy. Last evaluated: 2023-01-16. Review status: criteria provided, single submitter. Criteria: Invitae Variant Classification Sherloc (09022015). Collection method: clinical testing. Allele origin: germline.
Comment: In summary, the available evidence is currently insufficient to determine the role of this variant in disease. Therefore, it has been classified as a Variant of Uncertain Significance. Algorithms developed to predict the effect of missense changes on protein structure and function (SIFT, PolyPhen-2, Align-GVGD) all suggest that this variant is likely to be tolerated. This variant has not been reported in the literature in individuals affected with FASN-related conditions. This variant is present in population databases (rs772533829, gnomAD 0.007%). This sequence change replaces proline, which is neutral and non-polar, with leucine, which is neutral and non-polar, at codon 1003 of the FASN protein (p.Pro1003Leu).